The following is an entry in ClinVar:

NM_144687.4(NLRP12):c.2641dup (p.Ser881fs)

Gene: NLRP12 (NLR family pyrin domain containing 12; minus strand). Cytogenetic location: 19q13.42.
Variant type: Duplication.
Coding change: c.2641dup on transcript NM_144687.4 (MANE Select); coding-DNA position 2641, one base duplicated (A; older notation c.2641dupA).
Protein change: p.Ser881fs; shifts the reading frame from serine 881.
Molecular consequence: frameshift variant.
Genome position (GRCh38, 1-based): chr19:53,801,342, T duplicated on the plus strand (A on the coding strand, the reverse complement: NLRP12 is on the minus strand). VCF-style (leftmost placement, unchanged base first): chr19-53801341-C-CT. GRCh37 (hg19) VCF-style: chr19-54304595-C-CT.
Other names: c.2644dup, p.Ser882fs (NM_001277126.2); c.2641dup, p.Ser881fs (NM_001277129.1); short protein forms S882fs, S881fs.
Identifiers: ClinVar variation 4770451 (VCV004770451.1).

ClinVar aggregate classification (germline): Uncertain significance (1 of 4 stars; one submission).

Conditions:
Familial cold autoinflammatory syndrome 2 (FCAS2). Identifiers: Orphanet 247868, MedGen C2673198, MONDO:0012724, OMIM 611762.

Submission:

Labcorp Genetics (formerly Invitae), Labcorp
Classification: Uncertain significance for Familial cold autoinflammatory syndrome 2. Last evaluated: 2025-10-28. Review status: criteria provided, single submitter. Criteria: Invitae Variant Classification Sherloc (09022015). Collection method: clinical testing. Allele origin: germline.
Comment: This sequence change creates a premature translational stop signal (p.Ser881Lysfs*15) in the NLRP12 gene. It is expected to result in an absent or disrupted protein product. However, the current clinical and genetic evidence is not sufficient to establish whether loss-of-function variants in NLRP12 cause disease. This variant is not present in population databases (gnomAD no frequency). This variant has not been reported in the literature in individuals affected with NLRP12-related conditions. In summary, the available evidence is currently insufficient to determine the role of this variant in disease. Therefore, it has been classified as a Variant of Uncertain Significance.